The following is an entry in ClinVar:

NM_004100.5(EYA4):c.131G>A (p.Gly44Asp)

Gene: EYA4 (EYA transcriptional coactivator and phosphatase 4; plus strand). Cytogenetic location: 6q23.2.
Variant type: single nucleotide variant.
Coding change: c.131G>A on transcript NM_004100.5 (MANE Select); coding-DNA position 131, G replaced by A.
Protein change: p.Gly44Asp; replaces glycine 44 with aspartic acid.
Molecular consequence: missense variant.
Genome position (GRCh38, 1-based): chr6:133,446,677, G>A. VCF-style: chr6-133446677-G-A. GRCh37 (hg19) VCF-style: chr6-133767815-G-A.
Other names: c.131G>A, p.Gly44Asp (NM_001301012.2, NM_001301013.2, NM_001370458.1 and 3 more transcripts); short protein forms G44D.
Identifiers: ClinVar variation 264447 (VCV000264447.11), dbSNP rs886039161, ClinGen allele CA10587626.

ClinVar aggregate classification (germline): Uncertain significance. Review status: criteria provided, multiple submitters, no conflicts (2 of 4 stars). 3 submissions from 3 submitters: Uncertain significance (3). Last evaluated 2024-09-05.

Conditions:
Dilated cardiomyopathy 1J (CMD1J). Also called: CARDIOMYOPATHY, DILATED, WITH SENSORINEURAL HEARING LOSS, AUTOSOMAL DOMINANT. Identifiers: Orphanet 217622, MedGen C1854368, MONDO:0011541, OMIM 605362.
Cardiovascular phenotype. Identifiers: MedGen CN230736.

Allele frequency attached by ClinVar (database versions not stated): gnomAD exomes below 0.00001.
gnomAD v4.1: 3 of 1,613,562 alleles (0.00019%); highest among the groups gnomAD compares: Non-Finnish European, 0.00025%; no homozygotes.

Submissions (3):

Ambry Genetics
Classification: Uncertain significance for Cardiovascular phenotype. Last evaluated: 2024-09-05. Review status: criteria provided, single submitter. Criteria: Ambry Variant Classification Scheme 2023. Collection method: clinical testing. Allele origin: germline.
Comment: The p.G44D variant (also known as c.131G>A), located in coding exon 3 of the EYA4 gene, results from a G to A substitution at nucleotide position 131. The glycine at codon 44 is replaced by aspartic acid, an amino acid with similar properties. This amino acid position is not well conserved in available vertebrate species. In addition, the in silico prediction for this alteration is inconclusive. Based on the available evidence, the clinical significance of this variant remains unclear.

Labcorp Genetics (formerly Invitae), Labcorp
Classification: Uncertain significance for Dilated cardiomyopathy 1J. Last evaluated: 2024-02-23. Review status: criteria provided, single submitter. Criteria: Invitae Variant Classification Sherloc (09022015). Collection method: clinical testing. Allele origin: germline.
Comment: This sequence change replaces glycine, which is neutral and non-polar, with aspartic acid, which is acidic and polar, at codon 44 of the EYA4 protein (p.Gly44Asp). This variant is not present in population databases (gnomAD no frequency). This variant has not been reported in the literature in individuals affected with EYA4-related conditions. ClinVar contains an entry for this variant (Variation ID: 264447). An algorithm developed to predict the effect of missense changes on protein structure and function (PolyPhen-2) suggests that this variant is likely to be tolerated. In summary, the available evidence is currently insufficient to determine the role of this variant in disease. Therefore, it has been classified as a Variant of Uncertain Significance.

GeneDx
Classification: Uncertain significance. Last evaluated: 2021-03-26. Review status: criteria provided, single submitter. Criteria: GeneDx Variant Classification Process June 2021. Collection method: clinical testing. Allele origin: germline. Affected: yes.
Comment: Not observed in large population cohorts (Lek et al., 2016); In silico analysis supports that this missense variant does not alter protein structure/function; Has not been previously published as pathogenic or benign to our knowledge